The following is an entry in ClinVar:

NM_001267550.2(TTN):c.64252_64253insGAGTA (p.Tyr21418Ter)

Genes: TTN (titin; minus strand), TTN-AS1 (TTN antisense RNA 1; plus strand). Cytogenetic location: 2q31.2.
Variant type: Insertion.
Coding change: c.64252_64253insGAGTA on transcript NM_001267550.2 (MANE Select); coding-DNA positions 64252 to 64253, GAGTA inserted.
Protein change: p.Tyr21418Ter; replaces tyrosine 21418 with a stop codon.
Molecular consequence: nonsense.
Genome position: GRCh38 VCF-style: chr2-178586648-T-TTACTC. GRCh37 (hg19) VCF-style: chr2-179451375-T-TTACTC.
Other names: c.59329_59330insGAGTA, p.Tyr19777Ter (NM_001256850.1); c.37057_37058insGAGTA, p.Tyr12353Ter (NM_003319.4); c.56548_56549insGAGTA, p.Tyr18850Ter (NM_133378.4); c.37432_37433insGAGTA, p.Tyr12478Ter (NM_133432.3); c.37633_37634insGAGTA, p.Tyr12545Ter (NM_133437.4); short protein forms Y12353*, Y12478*, Y12545*, Y18850*, Y19777*, Y21418*.
Identifiers: ClinVar variation 2500106 (VCV002500106.2), dbSNP rs2469244621, ClinGen allele CA2580064701.

ClinVar aggregate classification (germline): Pathogenic (1 of 4 stars; one submission).

Conditions:
Hypertrophic cardiomyopathy 9. Also called: Familial hypertrophic cardiomyopathy 9. Identifiers: MedGen C1861065, MONDO:0013412, OMIM 613765.
Autosomal recessive limb-girdle muscular dystrophy type 2J (LGMDR10). Also called: Limb-girdle muscular dystrophy, type 2J; MUSCULAR DYSTROPHY, LIMB-GIRDLE, AUTOSOMAL RECESSIVE 10. Identifiers: Orphanet 140922, MedGen C1837342, MONDO:0012127, OMIM 608807.
Tibial muscular dystrophy (TMD). Also called: UDD MYOPATHY; Tibial muscular dystrophy, tardive; Udd Distal Myopathy – Tibial Muscular Dystrophy. Identifiers: Orphanet 609, MedGen C1838244, MONDO:0010870, OMIM 600334.
Early-onset myopathy with fatal cardiomyopathy (CMYO5). Also called: CONGENITAL MYOPATHY 5 WITH CARDIOMYOPATHY; Salih Myopathy. Identifiers: Orphanet 289377, MedGen C2673677, MONDO:0012714, OMIM 611705. Disease mechanism: loss of function.
Myopathy, myofibrillar, 9, with early respiratory failure (MFM9). Also called: EDSTROM MYOPATHY; MYOPATHY, PROXIMAL, WITH EARLY RESPIRATORY MUSCLE INVOLVEMENT; Hereditary myopathy with early respiratory failure; Myopathy, distal, with early respiratory failure, autosomal dominant. Identifiers: Orphanet 178464, Orphanet 34521, MedGen C1863599, MONDO:0011362, OMIM 603689.
Dilated cardiomyopathy 1G (CMD1G). Identifiers: Orphanet 154, MedGen C1858763, MONDO:0011400, OMIM 604145.

Submission:

Center for Genomics, Ann and Robert H. Lurie Children's Hospital of Chicago
Classification: Pathogenic for Autosomal recessive limb-girdle muscular dystrophy type 2J; Hypertrophic cardiomyopathy 9; Tibial muscular dystrophy; Early-onset myopathy with fatal cardiomyopathy; Dilated cardiomyopathy 1G; Myopathy, myofibrillar, 9, with early respiratory failure. Review status: criteria provided, single submitter. Criteria: ACMG Guidelines, 2015. Collection method: clinical testing. Allele origin: germline.
Comment: TTN NM_133378.4 exon 257 p.Tyr18850* (c.56548_56549insGAGTA): This variant has not been reported in the literature and is not present in large control databases. This variant is present in ClinVar (Variation ID:202456). Evolutionary conservation and computational predictive tools for this variant are limited or unavailable. This variant is an insertion of 5 nucleotides and creates a premature stop at this codon which results in an absent or abnormal protein. Loss of function variants are a known mechanism of disease for this gene. Additionally, this variant is located within the A-band, where the majority of truncating pathogenic variants associated with DCM have been reported (Herman 2012 PMID:22335739). In summary, this variant is classified as pathogenic